The following is an entry in ClinVar:

NM_001370259.2(MEN1):c.1185+1G>A

Gene: MEN1 (menin 1; minus strand). Cytogenetic location: 11q13.1.
Variant type: single nucleotide variant.
Coding change: c.1185+1G>A on transcript NM_001370259.2 (MANE Select); the canonical splice donor site of the intron after coding-DNA position 1185, G replaced by A.
Molecular consequence: splice donor variant.
Genome position (GRCh38, 1-based): chr11:64,805,634, C>T on the plus strand (G>A on the coding strand, the complement: MEN1 is on the minus strand). VCF-style: chr11-64805634-C-T. GRCh37 (hg19) VCF-style: chr11-64573106-C-T.
Other names: c.1200+1G>A (NM_130804.3, NM_130803.3, NM_000244.4 and 4 more transcripts); c.1080+1G>A (NM_001407148.1, NM_001407149.1, NM_001370263.2 and 1 more transcripts); c.1185+1G>A (NM_130799.3, NM_001370260.2, NM_001407152.1 and 3 more transcripts); c.1311+1G>A (NM_001407144.1, NM_001370251.2, NM_001407142.1 and 1 more transcripts); c.1206+1G>A (NM_001407151.1); c.1326+1G>A (NM_001407150.1).
Identifiers: ClinVar variation 976058 (VCV000976058.5), dbSNP rs1941661315, ClinGen allele CA381181987.
Genomic context (GRCh38, chr11:64,805,634, plus strand): 5'-TGTGGAAGGGAGCCCTGTCCAGGTGGGAGGCTGGACACAGGCTGGAGCTCCAGCCTTTCA[C>T]CTGGCTTTGCTCCCCCGGCCGCTCCTCGCCCGCCTCCAGCAAGCTGGCTGCCTCCTTCAG-3'

ClinVar aggregate classification (germline): Conflicting classifications of pathogenicity. Review status: criteria provided, conflicting classifications (1 of 4 stars). 2 submissions from 2 submitters: Likely pathogenic (1); Uncertain significance (1). Last evaluated 2023-05-25.

Conditions:
Multiple endocrine neoplasia, type 1 (MEN1). Also called: MEN I; WERMER SYNDROME; Endocrine adenomatosis multiple; MEN 1; MEA I. Identifiers: Orphanet 652, MedGen C0025267, MeSH D018761, MONDO:0007540, OMIM 131100.

Submissions (2):

Labcorp Genetics (formerly Invitae), Labcorp
Classification: Likely pathogenic for Multiple endocrine neoplasia, type 1. Last evaluated: 2023-05-25. Review status: criteria provided, single submitter. Criteria: Invitae Variant Classification Sherloc (09022015). Collection method: clinical testing. Allele origin: germline.
Comment: In summary, the currently available evidence indicates that the variant is pathogenic, but additional data are needed to prove that conclusively. Therefore, this variant has been classified as Likely Pathogenic. Algorithms developed to predict the effect of sequence changes on RNA splicing suggest that this variant may disrupt the consensus splice site. ClinVar contains an entry for this variant (Variation ID: 976058). This variant has not been reported in the literature in individuals affected with MEN1-related conditions. This variant is not present in population databases (gnomAD no frequency). This sequence change affects a donor splice site in intron 8 of the MEN1 gene. It is expected to disrupt RNA splicing. Variants that disrupt the donor or acceptor splice site typically lead to a loss of protein function (PMID: 16199547), and loss-of-function variants in MEN1 are known to be pathogenic (PMID: 12112656, 17853334).

Institute of Human Genetics, University of Leipzig Medical Center
Classification: Uncertain significance for Multiple endocrine neoplasia, type 1. Last evaluated: 2018-10-01. Review status: criteria provided, single submitter. Criteria: ACMG Guidelines, 2015. Collection method: clinical testing. Allele origin: germline. Affected: yes. Observed: 1 variant allele.

Literature cited by the submitters: PubMed 16199547 (cited by Labcorp Genetics (formerly Invitae), Labcorp); PubMed 12112656 (cited by Labcorp Genetics (formerly Invitae), Labcorp); PubMed 17853334 (cited by Labcorp Genetics (formerly Invitae), Labcorp).